The following is an entry in ClinVar:

NM_058195.4(CDKN2A):c.28del (p.Arg10fs)

Gene: CDKN2A (cyclin dependent kinase inhibitor 2A; minus strand). Cytogenetic location: 9p21.3.
Variant type: Deletion.
Coding change: c.28del on transcript NM_058195.4 (MANE Plus Clinical); coding-DNA position 28, one base deleted (C; older notation c.28delC).
Protein change: p.Arg10fs; shifts the reading frame from arginine 10.
Molecular consequence: frameshift variant. On other transcripts: intron variant (1).
Genome position (GRCh38, 1-based): chr9:21,994,304, G deleted on the plus strand (C on the coding strand, the reverse complement: CDKN2A is on the minus strand); the first of 2 consecutive G bases (chr9:21,994,304-21,994,305); deleting either gives the same sequence. VCF-style (leftmost placement, unchanged base first): chr9-21994303-CG-C. GRCh37 (hg19) VCF-style: chr9-21994302-CG-C.
Other names: c.28delC (NM_058195.3); c.-4+517del (NM_001363763.2); short protein forms R10fs.
Identifiers: ClinVar variation 1797424 (VCV001797424.3), dbSNP rs2489328224, ClinGen allele CA2580080350.

ClinVar aggregate classification (germline): Conflicting classifications of pathogenicity. Review status: criteria provided, conflicting classifications (1 of 4 stars). 2 submissions from 2 submitters: Pathogenic (1); Uncertain significance (1). Last evaluated 2025-08-12.

Conditions:
Melanoma-pancreatic cancer syndrome. Identifiers: Orphanet 404560, MedGen C1838547, MONDO:0011713, OMIM 606719. Disease mechanism: loss of function.
Hereditary cancer-predisposing syndrome. Also called: Tumor predisposition; Hereditary Cancer Syndrome; Hereditary neoplastic syndrome; Neoplastic Syndromes, Hereditary. Identifiers: Orphanet 140162, MedGen C0027672, MeSH D009386, MONDO:0015356.

Submissions (2):

Myriad Genetics, Inc.
Classification: Pathogenic for Melanoma-pancreatic cancer syndrome. Last evaluated: 2025-08-12. Review status: criteria provided, single submitter. Criteria: Myriad Autosomal Dominant, Autosomal Recessive and X-Linked Classification Criteria (2023). Collection method: clinical testing. Allele origin: unknown.
Comment: This variant is considered pathogenic. This variant creates a frameshift predicted to result in premature protein truncation.

Ambry Genetics
Classification: Uncertain significance for Hereditary cancer-predisposing syndrome. Last evaluated: 2022-08-04. Review status: criteria provided, single submitter. Criteria: Ambry Variant Classification Scheme 2023. Collection method: clinical testing. Allele origin: germline.
Comment: The c.28delC variant, located in coding exon 1 of the CDKN2A (p14ARF) gene, results from a deletion of one nucleotide at nucleotide position 28, causing a translational frameshift with a predicted alternate stop codon (p.R10Gfs*11). This alteration is expected to result in premature protein truncation or nonsense-mediated mRNA decay. However, loss of function has not been clearly established as a mechanism of disease for the p14 isoform of CDKN2A. Since supporting evidence is limited at this time, the clinical significance of this alteration remains unclear.